The following is an entry in ClinVar:

ClinVar aggregate classification (germline): Conflicting classifications of pathogenicity. Review status: criteria provided, conflicting classifications (1 of 4 stars). 2 submissions from 2 submitters: Uncertain significance (1); Likely benign (1). Last evaluated 2022-08-02.

Conditions:
Inborn genetic diseases. Identifiers: MedGen C0950123, MeSH D030342.

Allele frequency attached by ClinVar (database versions not stated): TOPMed 0.00003; gnomAD 0.00005; gnomAD exomes 0.00005; ExAC 0.00009; ESP Exome Variant Server 0.00015.
gnomAD v4.1: 101 of 1,614,068 alleles (0.0063%); highest among the groups gnomAD compares: Non-Finnish European, 0.0076%; no homozygotes.

Submissions (2):

Ambry Genetics
Classification: Likely benign for Inborn genetic diseases. Last evaluated: 2022-08-02. Review status: criteria provided, single submitter. Criteria: Ambry Variant Classification Scheme 2023. Collection method: clinical testing. Allele origin: germline.

Labcorp Genetics (formerly Invitae), Labcorp
Classification: Uncertain significance. Last evaluated: 2022-02-08. Review status: criteria provided, single submitter. Criteria: Invitae Variant Classification Sherloc (09022015). Collection method: clinical testing. Allele origin: germline.
Comment: This sequence change replaces alanine, which is neutral and non-polar, with threonine, which is neutral and polar, at codon 1442 of the LTBP2 protein (p.Ala1442Thr). This variant is present in population databases (rs140583454, gnomAD 0.02%). This variant has not been reported in the literature in individuals affected with LTBP2-related conditions. Algorithms developed to predict the effect of missense changes on protein structure and function output the following: SIFT: "Tolerated"; PolyPhen-2: "Benign"; Align-GVGD: "Class C0". The threonine amino acid residue is found in multiple mammalian species, which suggests that this missense change does not adversely affect protein function. In summary, the available evidence is currently insufficient to determine the role of this variant in disease. Therefore, it has been classified as a Variant of Uncertain Significance.

NM_000428.3(LTBP2):c.4324G>A (p.Ala1442Thr)

Gene: LTBP2 (latent transforming growth factor beta binding protein 2; minus strand). Cytogenetic location: 14q24.3.
Variant type: single nucleotide variant.
Coding change: c.4324G>A on transcript NM_000428.3 (MANE Select); coding-DNA position 4324, G replaced by A.
Protein change: p.Ala1442Thr; replaces alanine 1442 with threonine.
Molecular consequence: missense variant.
Genome position (GRCh38, 1-based): chr14:74,505,028, C>T on the plus strand (G>A on the coding strand, the complement: LTBP2 is on the minus strand). VCF-style: chr14-74505028-C-T. GRCh37 (hg19) VCF-style: chr14-74971731-C-T.
Other names: c.4324G>A (NM_000428.2); short protein forms A1442T.
Identifiers: ClinVar variation 1431951 (VCV001431951.4), dbSNP rs140583454, ClinGen allele CA7268793.
Genomic context (GRCh38, chr14:74,505,028, plus strand): 5'-CCCTTGGGGTCTTACCTGAGTCCTCAGACGGGCAGAGGTCACAGGCATCTCCCCAGCTAG[C>T]GCCCTGGGTGCAGCAGCATTCAGCCTGTGTGGTGTTCCGGCCCAGGACACTGGAGCAGGG-3'
Protein context (NP_000419.1, residues 1432-1452): TQAECCCTQG[Ala1442Thr]SWGDACDLCP